The following is an entry in ClinVar:

ClinVar aggregate classification (germline): Uncertain significance (1 of 4 stars; one submission).

gnomAD v4.1: 2 of 1,540,770 alleles (0.00013%); highest among the groups gnomAD compares: Admixed American, 0.0037%; no homozygotes.

Submission:

Labcorp Genetics (formerly Invitae), Labcorp
Classification: Uncertain significance. Last evaluated: 2025-06-16. Review status: criteria provided, single submitter. Criteria: Invitae Variant Classification Sherloc (09022015). Collection method: clinical testing. Allele origin: germline.
Comment: This sequence change replaces alanine, which is neutral and non-polar, with serine, which is neutral and polar, at codon 1230 of the TAOK2 protein (p.Ala1230Ser). The frequency data for this variant in the population databases is considered unreliable, as metrics indicate poor data quality at this position in the gnomAD database. This variant has not been reported in the literature in individuals affected with TAOK2-related conditions. ClinVar contains an entry for this variant (Variation ID: 2037636). An algorithm developed to predict the effect of missense changes on protein structure and function outputs the following: PolyPhen-2: "Benign". The serine amino acid residue is found in multiple mammalian species, which suggests that this missense change does not adversely affect protein function. In summary, the available evidence is currently insufficient to determine the role of this variant in disease. Therefore, it has been classified as a Variant of Uncertain Significance.

NM_016151.4(TAOK2):c.3688G>T (p.Ala1230Ser)

Gene: TAOK2 (TAO kinase 2; plus strand). Cytogenetic location: 16p11.2.
Variant type: single nucleotide variant.
Coding change: c.3688G>T on transcript NM_016151.4 (MANE Select); coding-DNA position 3688, G replaced by T.
Protein change: p.Ala1230Ser; replaces alanine 1230 with serine.
Molecular consequence: missense variant. On other transcripts: intron variant (1).
Genome position (GRCh38, 1-based): chr16:29,987,960, G>T. VCF-style: chr16-29987960-G-T. GRCh37 (hg19) VCF-style: chr16-29999281-G-T.
Other names: c.3349G>T, p.Ala1117Ser (NM_001252043.2); c.2232+1456G>T (NM_004783.4); short protein forms A1230S, A1117S.
Identifiers: ClinVar variation 2037636 (VCV002037636.4), dbSNP rs1480117741, ClinGen allele CA395502736.